The following is an entry in ClinVar:

ClinVar aggregate classification (germline): Pathogenic. Review status: reviewed by expert panel (3 of 4 stars). 2 submissions from 2 submitters: Pathogenic (1). 1 of the submissions does not count toward it. Last evaluated 2016-09-08.

Conditions:
Breast-ovarian cancer, familial, susceptibility to, 2 (BROVCA2). Also called: BRCA2 Hereditary Breast and Ovarian Cancer. Identifiers: Orphanet 145, MedGen C2675520, MONDO:0012933, OMIM 612555. Disease mechanism: loss of function.

Submissions (2):

Evidence-based Network for the Interpretation of Germline Mutant Alleles (ENIGMA)
Classification: Pathogenic for Breast-ovarian cancer, familial, susceptibility to, 2. Last evaluated: 2016-09-08. Review status: reviewed by expert panel. Criteria: ENIGMA BRCA1/2 Classification Criteria (2015). Collection method: curation. Allele origin: germline.
Comment: Variant allele predicted to encode a truncated non-functional protein.

Breast Cancer Information Core (BIC) (BRCA2)
Classification: Pathogenic for Breast-ovarian cancer, familial 2. Review status: no assertion criteria provided. Collection method: clinical testing. Allele origin: germline. Affected: yes. Observed: 2 variant alleles. Not counted in ClinVar's aggregate classification.

NM_000059.4(BRCA2):c.6535dup (p.Val2179fs)

Gene: BRCA2 (BRCA2 DNA repair associated; plus strand). Cytogenetic location: 13q13.1.
Variant type: Duplication.
Coding change: c.6535dup on transcript NM_000059.4 (MANE Select); coding-DNA position 6535, one base duplicated (G; older notation c.6535dupG).
Protein change: p.Val2179fs; shifts the reading frame from valine 2179.
Molecular consequence: frameshift variant.
Genome position (GRCh38, 1-based): chr13:32,340,890, G duplicated. VCF-style (leftmost placement, unchanged base first): chr13-32340889-T-TG. GRCh37 (hg19) VCF-style: chr13-32915026-T-TG.
Other names: 6763insG; c.6535dupG (NM_000059.3); short protein forms V2179fs.
Identifiers: ClinVar variation 126109 (VCV000126109.2), dbSNP rs1555284737, ClinGen allele CA024149.
Genomic context (GRCh38, chr13:32,340,889, plus strand): 5'-TCAACAAGACAAACAACAGTTGGTATTAGGAACCAAAGTGTCACTTGTTGAGAACATTCA[T>TG]GTTTTGGGAAAAGAACAGGCTTCACCTAAAAACGTAAAAATGGAAATTGGTAAAACTGAA-3'